The following is an entry in ClinVar:

ClinVar aggregate classification (germline): Uncertain significance (1 of 4 stars; one submission).

Conditions:
Hereditary cancer-predisposing syndrome. Also called: Hereditary Cancer Syndrome; Tumor predisposition; Hereditary neoplastic syndrome; Neoplastic Syndromes, Hereditary. Identifiers: Orphanet 140162, MedGen C0027672, MeSH D009386, MONDO:0015356.

Submission:

Ambry Genetics
Classification: Uncertain significance for Hereditary cancer-predisposing syndrome. Last evaluated: 2024-11-17. Review status: criteria provided, single submitter. Criteria: Ambry Variant Classification Scheme 2023. Collection method: clinical testing. Allele origin: germline.
Comment: The p.R411P variant (also known as c.1232G>C), located in coding exon 8 of the MSH3 gene, results from a G to C substitution at nucleotide position 1232. The arginine at codon 411 is replaced by proline, an amino acid with dissimilar properties. This amino acid position is conserved. In addition, this alteration is predicted to be deleterious by in silico analysis. Based on the available evidence, the clinical significance of this variant remains unclear.

NM_002439.5(MSH3):c.1232G>C (p.Arg411Pro)

Gene: MSH3 (mutS homolog 3; plus strand). Cytogenetic location: 5q14.1.
Variant type: single nucleotide variant.
Coding change: c.1232G>C on transcript NM_002439.5 (MANE Select); coding-DNA position 1232, G replaced by C.
Protein change: p.Arg411Pro; replaces arginine 411 with proline.
Molecular consequence: missense variant.
Genome position (GRCh38, 1-based): chr5:80,678,985, G>C. VCF-style: chr5-80678985-G-C. GRCh37 (hg19) VCF-style: chr5-79974804-G-C.
Other names: short protein forms R411P.
Identifiers: ClinVar variation 3398771 (VCV003398771.1).